The following is an entry in ClinVar:

NM_001848.3(COL6A1):c.1336-152G>T

Gene: COL6A1 (collagen type VI alpha 1 chain; plus strand). Cytogenetic location: 21q22.3.
Variant type: single nucleotide variant.
Coding change: c.1336-152G>T on transcript NM_001848.3 (MANE Select); 152 bases into the intron before coding-DNA position 1336, G replaced by T.
Molecular consequence: intron variant.
Genome position (GRCh38, 1-based): chr21:45,994,015, G>T. VCF-style: chr21-45994015-G-T. GRCh37 (hg19) VCF-style: chr21-47413929-G-T.
Identifiers: ClinVar variation 679939 (VCV000679939.1), dbSNP rs2850174, ClinGen allele CA14888036.

ClinVar aggregate classification (germline): Benign (1 of 4 stars; one submission).

Allele frequency attached by ClinVar (database versions not stated): gnomAD exomes 0.77008; TOPMed 0.78255; gnomAD 0.78788; 1000 Genomes Project 30x 0.81387.
gnomAD v4.1: 620,439 of 804,036 alleles (77%); highest among the groups gnomAD compares: East Asian, 88%; 240,520 homozygotes.

Submission:

GeneDx
Classification: Benign. Last evaluated: 2018-06-14. Review status: criteria provided, single submitter. Criteria: GeneDx Variant Classification (06012015). Collection method: clinical testing. Allele origin: germline. Affected: yes.
Comment: This variant is considered likely benign or benign based on one or more of the following criteria: it is a conservative change, it occurs at a poorly conserved position in the protein, it is predicted to be benign by multiple in silico algorithms, and/or has population frequency not consistent with disease.